The following is an entry in ClinVar:

NM_003060.4(SLC22A5):c.422A>C (p.Lys141Thr)

Gene: SLC22A5 (solute carrier family 22 member 5; plus strand). Cytogenetic location: 5q31.1.
Variant type: single nucleotide variant.
Coding change: c.422A>C on transcript NM_003060.4 (MANE Select); coding-DNA position 422, A replaced by C.
Protein change: p.Lys141Thr; replaces lysine 141 with threonine.
Molecular consequence: missense variant.
Genome position (GRCh38, 1-based): chr5:132,378,406, A>C. VCF-style: chr5-132378406-A-C. GRCh37 (hg19) VCF-style: chr5-131714098-A-C.
Other names: c.494A>C, p.Lys165Thr (NM_001308122.2); short protein forms K141T, K165T.
Identifiers: ClinVar variation 3731554 (VCV003731554.2).

ClinVar aggregate classification (germline): Uncertain significance (1 of 4 stars; one submission).

Conditions:
Renal carnitine transport defect (CDSP). Also called: Systemic primary carnitine deficiency; Carnitine transporter deficiency; Systemic primary carnitine deficiency disease; Carnitine Deficiency, Systemic; CARNITINE DEFICIENCY, SYSTEMIC, DUE TO DEFECT IN RENAL REABSORPTION OF CARNITINE; CARNITINE TRANSPORTER, PLASMA-MEMBRANE, DEFICIENCY OF. Identifiers: Orphanet 158, MedGen C0342788, MONDO:0008919, OMIM 212140.

Submission:

Department of Endocrinology and Genetics, Fuzhou Children’s Hospital of Fujian Medical University
Classification: Uncertain significance for Renal carnitine transport defect. Review status: criteria provided, single submitter. Criteria: ACMG Guidelines, 2015. Collection method: research. Allele origin: paternal. Inheritance: Autosomal recessive inheritance. Affected: yes. Observed: 1 compound heterozygote.
Comment: The c.422A>C mutation in the SLC22A5 gene is a missense mutation that results in the substitution of the amino acid lysine with threonine at position 141 (p.K141T). This mutation has not been recorded in the ExAC, gnomAD, or 1000 Genomes databases, indicating that its frequency in the population is unknown. Currently, there are no literature reports concerning this mutation. According to the ACMG guidelines, this variant is classified as a variant of uncertain significance (VUS) based on the criteria PM2, PM3, PP3, and PP4.

Literature cited by the submitters: PubMed 17594400.